The following is an entry in ClinVar:

ClinVar aggregate classification (germline): Uncertain significance (1 of 4 stars; one submission).

Submission:

GeneDx
Classification: Uncertain significance. Last evaluated: 2024-07-03. Review status: criteria provided, single submitter. Criteria: GeneDx Variant Classification Process June 2021. Collection method: clinical testing. Allele origin: germline. Affected: yes.
Comment: Not observed at significant frequency in large population cohorts (gnomAD); In silico analysis indicates that this missense variant does not alter protein structure/function; Has not been previously published as pathogenic or benign to our knowledge

NM_001292063.2(OTOG):c.4724A>G (p.Gln1575Arg)

Gene: OTOG (otogelin; plus strand). Cytogenetic location: 11p15.1.
Variant type: single nucleotide variant.
Coding change: c.4724A>G on transcript NM_001292063.2 (MANE Select); coding-DNA position 4724, A replaced by G.
Protein change: p.Gln1575Arg; replaces glutamine 1575 with arginine.
Molecular consequence: missense variant.
Genome position (GRCh38, 1-based): chr11:17,610,024, A>G. VCF-style: chr11-17610024-A-G. GRCh37 (hg19) VCF-style: chr11-17631571-A-G.
Other names: c.4760A>G, p.Gln1587Arg (NM_001277269.2); short protein forms Q1587R, Q1575R.
Identifiers: ClinVar variation 3393684 (VCV003393684.1).
Genomic context (GRCh38, chr11:17,610,024, plus strand): 5'-CTGCCAGCCTCCTGGCCATCCCCCATACACCAGAGTCCTCATCCCTCCCTGTTGCACTGC[A>G]GACACCCACACCTGGCATGGTGTCAGGTGCCATGGAGACAACAAGGGTGACTGTGATCTT-3'
Protein context (NP_001278992.1, residues 1565-1585): PESSSLPVAL[Gln1575Arg]TPTPGMVSGA